The following is an entry in ClinVar:

ClinVar aggregate classification (germline): Uncertain significance (1 of 4 stars; one submission).

Conditions:
Loeys-Dietz syndrome 4 (LDS4). Also called: TGFB2-Related Loeys-Dietz Syndrome; ANEURYSM, AORTIC AND CEREBRAL, WITH ARTERIAL TORTUOSITY AND SKELETAL MANIFESTATIONS. Identifiers: MedGen C3553762, MONDO:0013897, OMIM 614816.

Submission:

Labcorp Genetics (formerly Invitae), Labcorp
Classification: Uncertain significance for Loeys-Dietz syndrome 4. Last evaluated: 2023-02-22. Review status: criteria provided, single submitter. Criteria: Invitae Variant Classification Sherloc (09022015). Collection method: clinical testing. Allele origin: germline.
Comment: In summary, the available evidence is currently insufficient to determine the role of this variant in disease. Therefore, it has been classified as a Variant of Uncertain Significance. Advanced modeling of protein sequence and biophysical properties (such as structural, functional, and spatial information, amino acid conservation, physicochemical variation, residue mobility, and thermodynamic stability) performed at Invitae indicates that this missense variant is expected to disrupt TGFB2 protein function. ClinVar contains an entry for this variant (Variation ID: 567001). This variant has not been reported in the literature in individuals affected with TGFB2-related conditions. This variant is not present in population databases (gnomAD no frequency). This sequence change replaces leucine, which is neutral and non-polar, with proline, which is neutral and non-polar, at codon 282 of the TGFB2 protein (p.Leu282Pro).

NM_003238.6(TGFB2):c.845T>C (p.Leu282Pro)

Gene: TGFB2 (transforming growth factor beta 2; plus strand). Cytogenetic location: 1q41.
Variant type: single nucleotide variant.
Coding change: c.845T>C on transcript NM_003238.6 (MANE Select); coding-DNA position 845, T replaced by C.
Protein change: p.Leu282Pro; replaces leucine 282 with proline.
Molecular consequence: missense variant.
Genome position (GRCh38, 1-based): chr1:218,436,060, T>C. VCF-style: chr1-218436060-T-C. GRCh37 (hg19) VCF-style: chr1-218609402-T-C.
Other names: c.929T>C, p.Leu310Pro (NM_001135599.4); short protein forms L310P, L282P.
Identifiers: ClinVar variation 567001 (VCV000567001.11), dbSNP rs1558263254, ClinGen allele CA344727186.